The following is an entry in ClinVar:

ClinVar aggregate classification (germline): Pathogenic. Review status: criteria provided, multiple submitters, no conflicts (2 of 4 stars). 2 submissions from 2 submitters: Pathogenic (2). Last evaluated 2025-06-11.

Conditions:
Hereditary cancer-predisposing syndrome. Also called: Tumor predisposition; Hereditary neoplastic syndrome; Neoplastic Syndromes, Hereditary; Hereditary Cancer Syndrome. Identifiers: Orphanet 140162, MedGen C0027672, MeSH D009386, MONDO:0015356.
Familial cancer of breast. Also called: Hereditary breast cancer; BREAST CANCER, FAMILIAL; hereditary breast carcinoma. Identifiers: Orphanet 227535, MedGen C0346153, MONDO:0016419, OMIM 114480. Disease mechanism: loss of function.

Submissions (2):

Ambry Genetics
Classification: Pathogenic for Hereditary cancer-predisposing syndrome. Last evaluated: 2025-06-11. Review status: criteria provided, single submitter. Criteria: Ambry Variant Classification Scheme 2023. Collection method: clinical testing. Allele origin: germline.
Comment: The c.1335delC pathogenic mutation, located in coding exon 11 of the CHEK2 gene, results from a deletion of one nucleotide at nucleotide position 1335, causing a translational frameshift with a predicted alternate stop codon (p.Y445*). This variant is considered to be rare based on population cohorts in the Genome Aggregation Database (gnomAD). This alteration is expected to result in loss of function by premature protein truncation or nonsense-mediated mRNA decay. As such, this alteration is interpreted as a disease-causing mutation.

Myriad Genetics, Inc.
Classification: Pathogenic for Familial cancer of breast. Last evaluated: 2023-06-28. Review status: criteria provided, single submitter. Criteria: Myriad Autosomal Dominant, Autosomal Recessive and X-Linked Classification Criteria (2023). Collection method: clinical testing. Allele origin: unknown.
Comment: This variant is considered pathogenic. This variant creates a termination codon and is predicted to result in premature protein truncation.

NM_007194.4(CHEK2):c.1335del (p.Lys444_Tyr445insTer)

Gene: CHEK2 (checkpoint kinase 2; minus strand). Cytogenetic location: 22q12.1.
Variant type: Deletion.
Coding change: c.1335del on transcript NM_007194.4 (MANE Select); coding-DNA position 1335, one base deleted (C; older notation c.1335delC).
Protein change: p.Lys444_Tyr445insTer.
Molecular consequence: nonsense. On other transcripts: frameshift variant (4).
Genome position (GRCh38, 1-based): chr22:28,695,167, G deleted on the plus strand (C on the coding strand, the reverse complement: CHEK2 is on the minus strand). VCF-style (leftmost placement, unchanged base first): chr22-28695166-TG-T. GRCh37 (hg19) VCF-style: chr22-29091154-TG-T.
Other names: c.1464delC, p.Tyr488Terfs (NM_001005735.3); c.672delC, p.Tyr224Terfs (NM_001257387.3); c.1134delC, p.Tyr378Terfs (NM_001349956.3); c.1248delC, p.Tyr416Terfs (NM_145862.3).
Identifiers: ClinVar variation 2583532 (VCV002583532.3), dbSNP rs2517796290, ClinGen allele CA2582342764.